The following is an entry in ClinVar:

ClinVar aggregate classification (germline): Benign/Likely benign. Review status: criteria provided, multiple submitters, no conflicts (2 of 4 stars). 15 submissions from 14 submitters: Benign (7); Likely benign (6). 2 of the submissions do not count toward it. Last evaluated 2026-09-01.

Conditions:
SCN1A-related disorder. Also called: SCN1A-related conditions; SCN1A-related condition; SCN1A-related disorders.
Inborn genetic diseases. Identifiers: MedGen C0950123, MeSH D030342.
Early-infantile DEE. Also called: Early infantile epileptic encephalopathy with suppression bursts; Ohtahara syndrome; Early infantile epileptic encephalopathy. Identifiers: Orphanet 1934, MedGen C0393706, MONDO:0800491.
Migraine, familial hemiplegic, 3. Identifiers: Orphanet 569, MedGen C1864987, MONDO:0012320, OMIM 609634.
Generalized epilepsy with febrile seizures plus, type 2 (GEFSP2). Also called: GEFS+, TYPE 2. Identifiers: Orphanet 36387, MedGen C1858673, MONDO:0011461, OMIM 604403.
Severe myoclonic epilepsy in infancy (DRVT). Also called: DEVELOPMENTAL AND EPILEPTIC ENCEPHALOPATHY 6A; Severe Myoclonic Epilepsy in Infancy (SMEI); Dravet syndrome; SEVERE MYOCLONIC EPILEPSY OF INFANCY; Epileptic encephalopathy, early infantile, 6 (Dravet syndrome). Identifiers: Orphanet 33069, MedGen C0751122, MONDO:0100135, OMIM 607208.

Allele frequency attached by ClinVar (database versions not stated): 1000 Genomes Project 0.00140; gnomAD exomes 0.00145 and 0.00125; ExAC 0.00155; 1000 Genomes Project 30x 0.00203; gnomAD 0.00102 and 0.00087; ESP Exome Variant Server 0.00108; TOPMed 0.00080.
gnomAD v4.1: 1,987 of 1,614,170 alleles (0.12%); highest among the groups gnomAD compares: South Asian, 0.55%; 10 homozygotes.

Submissions (25):

CeGaT Center for Human Genetics Tuebingen
Classification: Likely benign. Last evaluated: 2026-09-01. Review status: criteria provided, single submitter. Criteria: CeGaT Center For Human Genetics Tuebingen Variant Classification Criteria Version 2. Collection method: clinical testing. Allele origin: germline. Affected: yes. Observed: 24 variant alleles.
Comment: SCN1A: BS1

Women's Health and Genetics/Laboratory Corporation of America, LabCorp
Classification: Likely benign. Last evaluated: 2026-02-02. Review status: criteria provided, single submitter. Criteria: LabCorp Variant Classification Summary - May 2015. Collection method: clinical testing. Allele origin: germline.

Labcorp Genetics (formerly Invitae), Labcorp
Classification: Benign for Early-infantile DEE. Last evaluated: 2026-01-31. Review status: criteria provided, single submitter. Criteria: Invitae Variant Classification Sherloc (09022015). Collection method: clinical testing. Allele origin: germline.

Mayo Clinic Laboratories, Mayo Clinic
Classification: Benign. Last evaluated: 2020-12-31. Review status: criteria provided, single submitter. Criteria: ACMG Guidelines, 2015. Collection method: clinical testing. Allele origin: germline. Observed: 2 variant alleles.

Mendelics
Classification: Likely benign for Severe myoclonic epilepsy in infancy. Last evaluated: 2019-05-28. Review status: criteria provided, single submitter. Criteria: Mendelics Assertion Criteria 2017. Collection method: clinical testing. Allele origin: unknown.

Athena Diagnostics
Classification: Benign. Last evaluated: 2018-09-11. Review status: criteria provided, single submitter. Criteria: Athena Diagnostics Criteria. Collection method: clinical testing. Allele origin: germline.

SIB Swiss Institute of Bioinformatics
Classification: Benign for Severe myoclonic epilepsy in infancy. Last evaluated: 2018-05-31. Review status: criteria provided, single submitter. Criteria: ACMG Guidelines, 2015. Collection method: curation. Allele origin: unknown.
Comment: This variant is interpreted as a Benign, for Epileptic encephalopathy, early infantile, 6, in Autosomal Dominant manner. The following ACMG Tag(s) were applied: BS1 => Allele frequency is greater than expected for disorder. BS2 => Observed in a healthy adult individual for a recessive (homozygous), dominant (heterozygous), or X-linked (hemizygous) disorder, with full penetrance expected at an early age (PMID:18930999). BP2 => Observed in trans with a pathogenic variant for a fully penetrant dominant gene/disorder or observed in cis with a pathogenic variant in any inheritance pattern (PMID:19589774).

GeneDx
Classification: Benign. Last evaluated: 2017-09-14. Review status: criteria provided, single submitter. Criteria: GeneDx Variant Classification (06012015). Collection method: clinical testing. Allele origin: germline. Affected: yes.
Comment: This variant is considered likely benign or benign based on one or more of the following criteria: it is a conservative change, it occurs at a poorly conserved position in the protein, it is predicted to be benign by multiple in silico algorithms, and/or has population frequency not consistent with disease.

Illumina Laboratory Services, Illumina
Classification: Likely benign for Migraine, familial hemiplegic, 3. Last evaluated: 2017-04-27. Review status: criteria provided, single submitter. Criteria: ICSL Variant Classification Criteria 13 December 2019. Collection method: clinical testing. Allele origin: germline.
Comment: This variant was observed as part of a predisposition screen in an ostensibly healthy population. A literature search was performed for the gene, cDNA change, and amino acid change (where applicable). No publications were found based on this search. Allele frequency data from public databases allowed determination this variant is unlikely to cause disease. Therefore, this variant is classified as likely benign.

Illumina Laboratory Services, Illumina
Classification: Likely benign for Generalized epilepsy with febrile seizures plus, type 2. Last evaluated: 2017-04-27. Review status: criteria provided, single submitter. Criteria: ICSL Variant Classification Criteria 13 December 2019. Collection method: clinical testing. Allele origin: germline.
Comment: the same text as in the submission from Illumina Laboratory Services, Illumina above.

Center for Pediatric Genomic Medicine, Children's Mercy Hospital and Clinics
Classification: Likely benign. Last evaluated: 2017-02-03. Review status: criteria provided, single submitter. Criteria: ACMG Guidelines, 2015. Collection method: clinical testing. Allele origin: germline.
ClinVar note: Converted during submission from Likely Benign to Likely benign.

Ambry Genetics
Classification: Benign for Inborn genetic diseases. Last evaluated: 2016-07-24. Review status: criteria provided, single submitter. Criteria: Ambry Variant Classification Scheme 2023. Collection method: clinical testing. Allele origin: germline.

Eurofins Ntd Llc (ga)
Classification: Benign. Last evaluated: 2013-01-10. Review status: criteria provided, single submitter. Criteria: EGL Classification Definitions 2015. Collection method: clinical testing. Allele origin: germline. Observed: 3 variant alleles, 3 heterozygotes.

PreventionGenetics, part of Exact Sciences
Classification: Benign for SCN1A-related condition. Last evaluated: 2022-08-17. Review status: no assertion criteria provided. Collection method: clinical testing. Allele origin: germline. Not counted in ClinVar's aggregate classification.
Comment: This variant is classified as benign based on ACMG/AMP sequence variant interpretation guidelines (Richards et al. 2015 PMID: 25741868, with internal and published modifications).

Channelopathy-Associated Epilepsy Research Center
No classification provided (evidence only). Review status: no classification provided. Collection method: in vitro. Allele origin: not applicable. Functional consequence: Normal peak current. Not counted in ClinVar's aggregate classification.

Channelopathy-Associated Epilepsy Research Center
No classification provided (evidence only). Review status: no classification provided. Collection method: in vitro. Allele origin: not applicable. Functional consequence: Normal voltage dependence of activation. Not counted in ClinVar's aggregate classification.

Channelopathy-Associated Epilepsy Research Center
No classification provided (evidence only). Review status: no classification provided. Collection method: in vitro. Allele origin: not applicable. Functional consequence: Normal slope of activation. Not counted in ClinVar's aggregate classification.

Channelopathy-Associated Epilepsy Research Center
No classification provided (evidence only). Review status: no classification provided. Collection method: in vitro. Allele origin: not applicable. Functional consequence: Normal voltage dependence of fast inactivation. Not counted in ClinVar's aggregate classification.

Channelopathy-Associated Epilepsy Research Center
No classification provided (evidence only). Review status: no classification provided. Collection method: in vitro. Allele origin: not applicable. Functional consequence: Normal slope of fast inactivation. Not counted in ClinVar's aggregate classification.

Channelopathy-Associated Epilepsy Research Center
No classification provided (evidence only). Review status: no classification provided. Collection method: in vitro. Allele origin: not applicable. Functional consequence: Normal rate of recovery from fast inactivation. Not counted in ClinVar's aggregate classification.

Channelopathy-Associated Epilepsy Research Center
No classification provided (evidence only). Review status: no classification provided. Collection method: in vitro. Allele origin: not applicable. Functional consequence: Normal current amplitude in use dependence. Not counted in ClinVar's aggregate classification.

Channelopathy-Associated Epilepsy Research Center
No classification provided (evidence only). Review status: no classification provided. Collection method: in vitro. Allele origin: not applicable. Functional consequence: Normal fast inactivation. Not counted in ClinVar's aggregate classification.

Channelopathy-Associated Epilepsy Research Center
No classification provided (evidence only). Review status: no classification provided. Collection method: in vitro. Allele origin: not applicable. Functional consequence: Increase in ramp current. Not counted in ClinVar's aggregate classification.

Channelopathy-Associated Epilepsy Research Center
No classification provided (evidence only). Review status: no classification provided. Collection method: in vitro. Allele origin: not applicable. Functional consequence: Normal persistent current. Not counted in ClinVar's aggregate classification.

UniProtKB/Swiss-Prot
No classification provided. Condition: Severe myoclonic epilepsy in infancy. Review status: no classification provided. Collection method: not provided. Allele origin: not provided. Not counted in ClinVar's aggregate classification.

Literature cited by the submitters: PubMed 19236456 (cited by Athena Diagnostics); PubMed 11254445 (cited by Athena Diagnostics); PubMed 26845707 (cited by Athena Diagnostics); PubMed 26990884 (cited by Athena Diagnostics); PubMed 20879882 (cited by Athena Diagnostics); PubMed 27236449 (cited by Athena Diagnostics); PubMed 18930999 (cited by Athena Diagnostics and SIB Swiss Institute of Bioinformatics); PubMed 19589774 (cited by Athena Diagnostics and SIB Swiss Institute of Bioinformatics); PubMed 21713554 (cited by Athena Diagnostics).

NM_001165963.4(SCN1A):c.1811G>A (p.Arg604His)

Gene: SCN1A (sodium voltage-gated channel alpha subunit 1; minus strand). Cytogenetic location: 2q24.3.
Variant type: single nucleotide variant.
Coding change: c.1811G>A on transcript NM_001165963.4 (MANE Select); coding-DNA position 1811, G replaced by A.
Protein change: p.Arg604His; replaces arginine 604 with histidine.
Molecular consequence: missense variant. On other transcripts: 5 prime UTR variant (1), non-coding transcript variant (1).
Genome position (GRCh38, 1-based): chr2:166,043,901, C>T on the plus strand (G>A on the coding strand, the complement: SCN1A is on the minus strand). VCF-style: chr2-166043901-C-T. GRCh37 (hg19) VCF-style: chr2-166900411-C-T.
Other names: p.R604H:CGT>CAT; NM_001165963.1(SCN1A):c.1811G>A(p.Arg604His); NM_001165964.1(SCN1A):c.1811G>A(p.Arg604His); NM_001202435.1(SCN1A):c.1811G>A(p.Arg604His); NM_006920.4(SCN1A):c.1811G>A(p.Arg604His); c.1811G>A, p.Arg604His (NM_001165964.3, NM_001202435.3, NM_001353948.2 and 7 more transcripts); c.1808G>A, p.Arg603His (NM_001353954.2, NM_001353955.2, NM_001353960.2); c.-615G>A (NM_001353961.2); and 1 more; short protein forms R604H, R603H.
Identifiers: ClinVar variation 68589 (VCV000068589.54), dbSNP rs121918769, ClinGen allele CA285063.